The following is an entry in ClinVar:

NM_000431.4(MVK):c.987C>G (p.Ser329Arg)

Gene: MVK (mevalonate kinase; plus strand). Cytogenetic location: 12q24.11.
Variant type: single nucleotide variant.
Coding change: c.987C>G on transcript NM_000431.4 (MANE Select); coding-DNA position 987, C replaced by G.
Protein change: p.Ser329Arg; replaces serine 329 with arginine.
Molecular consequence: missense variant.
Genome position (GRCh38, 1-based): chr12:109,595,129, C>G. VCF-style: chr12-109595129-C-G. GRCh37 (hg19) VCF-style: chr12-110032934-C-G.
Other names: c.987C>G, p.Ser329Arg (NM_001114185.3); c.831C>G, p.Ser277Arg (NM_001301182.2); c.987C>G (NM_000431.2); short protein forms S329R, S277R.
Identifiers: ClinVar variation 848443 (VCV000848443.10), dbSNP rs104895326, ClinGen allele CA386650817.

ClinVar aggregate classification (germline): Conflicting classifications of pathogenicity. Review status: criteria provided, conflicting classifications (1 of 4 stars). 2 submissions from 2 submitters: Pathogenic (1); Uncertain significance (1). Last evaluated 2023-07-18.

Conditions:
Mevalonic aciduria (MEVA). Identifiers: Orphanet 29, MedGen C1959626, MONDO:0012481, OMIM 610377.
Porokeratosis 3, disseminated superficial actinic type (POROK3). Also called: POROKERATOSIS, DISSEMINATED SUPERFICIAL ACTINIC, 1; POROKERATOSIS 3, MULTIPLE TYPES; POROKERATOSIS 3, MIBELLI TYPE. Identifiers: MedGen C1867981, MONDO:0008293, OMIM 175900.
Hyperimmunoglobulin D with periodic fever (HIDS). Also called: Hyperimmunoglobulinemia D; Hyperimmunoglobulinemia D with periodic fever; HYPERIMMUNOGLOBULINEMIA D AND PERIODIC FEVER SYNDROME. Identifiers: Orphanet 343, MedGen C0398691, MONDO:0009849, OMIM 260920.

Allele frequency attached by ClinVar (database versions not stated): gnomAD exomes below 0.00001.
gnomAD v4.1: 3 of 1,614,174 alleles (0.00019%); highest among the groups gnomAD compares: Non-Finnish European, 0.00025%; no homozygotes.

Submissions (2):

GeneDx
Classification: Uncertain significance. Last evaluated: 2023-07-18. Review status: criteria provided, single submitter. Criteria: GeneDx Variant Classification Process June 2021. Collection method: clinical testing. Allele origin: germline. Affected: yes.
Comment: Observed with a pathogenic variant in an individual with mevalonate kinase deficiency, but it is not known whether the variants occurred on the same (in cis) or on different (in trans) chromosomes (Ter Haar NM et al., 2016); In silico analysis supports that this missense variant has a deleterious effect on protein structure/function; Not observed at significant frequency in large population cohorts (gnomAD); This variant is associated with the following publications: (PMID: 13130485, 27213830)

Labcorp Genetics (formerly Invitae), Labcorp
Classification: Pathogenic for Mevalonic aciduria; Hyperimmunoglobulin D with periodic fever; Porokeratosis 3, disseminated superficial actinic type. Last evaluated: 2022-06-27. Review status: criteria provided, single submitter. Criteria: Invitae Variant Classification Sherloc (09022015). Collection method: clinical testing. Allele origin: germline.
Comment: For these reasons, this variant has been classified as Pathogenic. This variant disrupts the p.Ser329 amino acid residue in MVK. Other variant(s) that disrupt this residue have been observed in individuals with MVK-related conditions (PMID: 16707534), which suggests that this may be a clinically significant amino acid residue. Advanced modeling of protein sequence and biophysical properties (such as structural, functional, and spatial information, amino acid conservation, physicochemical variation, residue mobility, and thermodynamic stability) performed at Invitae indicates that this missense variant is expected to disrupt MVK protein function. ClinVar contains an entry for this variant (Variation ID: 848443). This missense change has been observed in individual(s) with clinical features of mevalonate kinase deficiency (PMID: 13130485, 27213830; Invitae). In at least one individual the data is consistent with being in trans (on the opposite chromosome) from a pathogenic variant. This variant is present in population databases (no rsID available, gnomAD 0.0009%). This sequence change replaces serine, which is neutral and polar, with arginine, which is basic and polar, at codon 329 of the MVK protein (p.Ser329Arg).

Literature cited by the submitters: PubMed 16707534 (cited by Labcorp Genetics (formerly Invitae), Labcorp); PubMed 13130485 (cited by Labcorp Genetics (formerly Invitae), Labcorp); PubMed 27213830 (cited by Labcorp Genetics (formerly Invitae), Labcorp).